The following is an entry in ClinVar:

NM_005560.6(LAMA5):c.4007A>G (p.His1336Arg)

Gene: LAMA5 (laminin subunit alpha 5; minus strand). Cytogenetic location: 20q13.33.
Variant type: single nucleotide variant.
Coding change: c.4007A>G on transcript NM_005560.6 (MANE Select); coding-DNA position 4007, A replaced by G.
Protein change: p.His1336Arg; replaces histidine 1336 with arginine.
Molecular consequence: missense variant.
Genome position (GRCh38, 1-based): chr20:62,329,889, T>C on the plus strand (A>G on the coding strand, the complement: LAMA5 is on the minus strand). VCF-style: chr20-62329889-T-C. GRCh37 (hg19) VCF-style: chr20-60904945-T-C.
Other names: c.4007A>G (NM_005560.3); short protein forms H1336R.
Identifiers: ClinVar variation 2081058 (VCV002081058.5), dbSNP rs148240274, ClinGen allele CA9942758.
Genomic context (GRCh38, chr20:62,329,889, plus strand): 5'-TGGGTCACGTCCAGCAGGGCCTGGCCCTCACACACCACCAGGGTGCGGCAGCCGTAGCCA[T>C]GTGGACAGAAGCTGGCGTTGGCGTGGCCTGGGCGGGGGAGAAAGGCAGGGTCAGGCCCCC-3'
Protein context (NP_005551.3, residues 1326-1346): QGHANASFCP[His1336Arg]GYGCRTLVVC

ClinVar aggregate classification (germline): Uncertain significance. Review status: criteria provided, multiple submitters, no conflicts (2 of 4 stars). 3 submissions from 3 submitters: Uncertain significance (3). Last evaluated 2023-08-30.

Conditions:
Inborn genetic diseases. Identifiers: MedGen C0950123, MeSH D030342.

Allele frequency attached by ClinVar (database versions not stated): ESP Exome Variant Server 0.00008; ExAC 0.00010; gnomAD 0.00011; TOPMed 0.00012; 1000 Genomes Project 30x 0.00016; 1000 Genomes Project 0.00020.
gnomAD v4.1: 218 of 1,612,056 alleles (0.014%); highest among the groups gnomAD compares: Admixed American, 0.035%; no homozygotes.

Submissions (3):

Blueprint Genetics
Classification: Uncertain significance. Last evaluated: 2023-08-30. Review status: criteria provided, single submitter. Criteria: ACMG Guidelines, 2015. Collection method: clinical testing. Allele origin: germline.

Labcorp Genetics (formerly Invitae), Labcorp
Classification: Uncertain significance. Last evaluated: 2022-08-04. Review status: criteria provided, single submitter. Criteria: Invitae Variant Classification Sherloc (09022015). Collection method: clinical testing. Allele origin: germline.
Comment: This sequence change replaces histidine, which is basic and polar, with arginine, which is basic and polar, at codon 1336 of the LAMA5 protein (p.His1336Arg). This variant is present in population databases (rs148240274, gnomAD 0.03%). This variant has not been reported in the literature in individuals affected with LAMA5-related conditions. Algorithms developed to predict the effect of missense changes on protein structure and function are either unavailable or do not agree on the potential impact of this missense change (SIFT: "Tolerated"; PolyPhen-2: "Probably Damaging"; Align-GVGD: "Class C0"). In summary, the available evidence is currently insufficient to determine the role of this variant in disease. Therefore, it has been classified as a Variant of Uncertain Significance.

Ambry Genetics
Classification: Uncertain significance for Inborn genetic diseases. Last evaluated: 2022-05-01. Review status: criteria provided, single submitter. Criteria: Ambry Variant Classification Scheme 2023. Collection method: clinical testing. Allele origin: germline.